The following is an entry in ClinVar:

NM_033305.3(VPS13A):c.8847_8848delinsTCACAGATGTGT (p.Met2949fs)

Gene: VPS13A (vacuolar protein sorting 13 homolog A; plus strand). Cytogenetic location: 9q21.2.
Variant type: Indel.
Coding change: c.8847_8848delinsTCACAGATGTGT on transcript NM_033305.3 (MANE Select); coding-DNA positions 8847 to 8848, GA replaced by TCACAGATGTGT.
Protein change: p.Met2949fs; shifts the reading frame from methionine 2949.
Molecular consequence: frameshift variant.
Genome position (GRCh38, 1-based): chr9:77,370,518-77,370,519, GA replaced by TCACAGATGTGT. VCF-style: chr9-77370518-GA-TCACAGATGTGT. GRCh37 (hg19) VCF-style: chr9-79985434-GA-TCACAGATGTGT.
Other names: c.8730_8731delinsTCACAGATGTGT, p.Met2910fs (NM_001018037.2); c.8847_8848delinsTCACAGATGTGT, p.Met2949fs (NM_001018038.3, NM_015186.4); short protein forms M2910fs, M2949fs.
Identifiers: ClinVar variation 5016414 (VCV005016414.1).

ClinVar aggregate classification (germline): Pathogenic (1 of 4 stars; one submission).

Conditions:
VPS13A-related neurodegenerative disease. Also called: ACANTHOCYTOSIS WITH NEUROLOGIC DISORDER; LEVINE-CRITCHLEY SYNDROME; Choreoacanthocytosis; Chorea-acanthocytosis; Choreaacanthocytosis; VPS13A Disease. Identifiers: Orphanet 2388, MedGen C0393576, MONDO:0008695, OMIM 200150.

Submission:

Myriad Genetics, Inc.
Classification: Pathogenic for VPS13A-related neurodegenerative disease. Last evaluated: 2024-05-14. Review status: criteria provided, single submitter. Criteria: Myriad Autosomal Dominant, Autosomal Recessive and X-Linked Classification Criteria (2023). Collection method: clinical testing. Allele origin: unknown.
Comment: NM_033305.2(VPS13A):c.8847_8848del2ins12(M2949Ifs*6) is expected to be pathogenic in the context of VPS13A disease. This variant is predicted to lead to an abnormal or absent protein product due to the creation of a premature termination codon in VPS13A, a gene where loss-of-function variants are known to be pathogenic. Please note: this variant was assessed in the context of healthy population screening.